The following is an entry in ClinVar:

ClinVar aggregate classification (germline): Uncertain significance (1 of 4 stars; one submission).

Conditions:
Inborn genetic diseases. Identifiers: MedGen C0950123, MeSH D030342.

Submission:

Ambry Genetics
Classification: Uncertain significance for Inborn genetic diseases. Last evaluated: 2026-06-26. Review status: criteria provided, single submitter. Criteria: Ambry Variant Classification Scheme 2023. Collection method: clinical testing. Allele origin: germline.
Comment: The p.H753R variant (also known as c.2258A>G), located in coding exon 1 of the SAMD9L gene, results from an A to G substitution at nucleotide position 2258. The histidine at codon 753 is replaced by arginine, an amino acid with highly similar properties. This amino acid position is conserved. In addition, the in silico prediction for this alteration is inconclusive. Based on the available evidence, the clinical significance of this variant remains unclear.

NM_152703.5(SAMD9L):c.2258A>G (p.His753Arg)

Gene: SAMD9L (sterile alpha motif domain containing 9 like; minus strand). Cytogenetic location: 7q21.2.
Variant type: single nucleotide variant.
Coding change: c.2258A>G on transcript NM_152703.5 (MANE Select); coding-DNA position 2258, A replaced by G.
Protein change: p.His753Arg; replaces histidine 753 with arginine.
Molecular consequence: missense variant.
Genome position (GRCh38, 1-based): chr7:93,133,714, T>C on the plus strand (A>G on the coding strand, the complement: SAMD9L is on the minus strand). VCF-style: chr7-93133714-T-C. GRCh37 (hg19) VCF-style: chr7-92763027-T-C.
Other names: c.2258A>G, p.His753Arg (NM_001303496.3, NM_001303497.3, NM_001303498.3 and 5 more transcripts); short protein forms H753R.
Identifiers: ClinVar variation 5028854 (VCV005028854.1).